The following is an entry in ClinVar:

ClinVar aggregate classification (germline): Uncertain significance. Review status: criteria provided, multiple submitters, no conflicts (2 of 4 stars). 2 submissions from 2 submitters: Uncertain significance (2). Last evaluated 2024-01-03.

Conditions:
Dilated cardiomyopathy 1D. Identifiers: Orphanet 154, Orphanet 54260, MedGen C1832243, MONDO:0011095, OMIM 601494.
Cardiomyopathy, familial restrictive, 3. Identifiers: Orphanet 75249, MedGen C2676271, MONDO:0012900, OMIM 612422.
Hypertrophic cardiomyopathy 2. Also called: TNNT2-Related Familial Hypertrophic Cardiomyopathy. Identifiers: MedGen C1861864, MONDO:0007266, OMIM 115195.

Submissions (2):

Labcorp Genetics (formerly Invitae), Labcorp
Classification: Uncertain significance for Cardiomyopathy, familial restrictive, 3; Hypertrophic cardiomyopathy 2; Dilated cardiomyopathy 1D. Last evaluated: 2024-01-03. Review status: criteria provided, single submitter. Criteria: Invitae Variant Classification Sherloc (09022015). Collection method: clinical testing. Allele origin: germline.
Comment: This sequence change replaces asparagine, which is neutral and polar, with serine, which is neutral and polar, at codon 271 of the TNNT2 protein (p.Asn271Ser). This variant is not present in population databases (gnomAD no frequency). This variant has not been reported in the literature in individuals affected with TNNT2-related conditions. ClinVar contains an entry for this variant (Variation ID: 1406501). Advanced modeling of protein sequence and biophysical properties (such as structural, functional, and spatial information, amino acid conservation, physicochemical variation, residue mobility, and thermodynamic stability) has been performed at Invitae for this missense variant, however the output from this modeling did not meet the statistical confidence thresholds required to predict the impact of this variant on TNNT2 protein function. This variant disrupts the p.Asn271 amino acid residue in TNNT2. Other variant(s) that disrupt this residue have been determined to be pathogenic (PMID: 12707239, 20038417, 22857948, 23396983; Invitae). This suggests that this residue is clinically significant, and that variants that disrupt this residue are likely to be disease-causing. In summary, the available evidence is currently insufficient to determine the role of this variant in disease. Therefore, it has been classified as a Variant of Uncertain Significance.

GeneDx
Classification: Uncertain significance. Last evaluated: 2023-12-21. Review status: criteria provided, single submitter. Criteria: GeneDx Variant Classification Process June 2021. Collection method: clinical testing. Allele origin: germline. Affected: yes.
Comment: Not observed at significant frequency in large population cohorts (gnomAD); In silico analysis supports that this missense variant does not alter protein structure/function; Has not been previously published as pathogenic or benign to our knowledge

Literature cited by the submitters: PubMed 12707239 (cited by Labcorp Genetics (formerly Invitae), Labcorp); PubMed 20038417 (cited by Labcorp Genetics (formerly Invitae), Labcorp); PubMed 22857948 (cited by Labcorp Genetics (formerly Invitae), Labcorp); PubMed 23396983 (cited by Labcorp Genetics (formerly Invitae), Labcorp).

NM_001276345.2(TNNT2):c.842A>G (p.Asn281Ser)

Gene: TNNT2 (troponin T2, cardiac type; minus strand). Cytogenetic location: 1q32.1.
Variant type: single nucleotide variant.
Coding change: c.842A>G on transcript NM_001276345.2 (MANE Select); coding-DNA position 842, A replaced by G.
Protein change: p.Asn281Ser; replaces asparagine 281 with serine.
Molecular consequence: missense variant.
Genome position (GRCh38, 1-based): chr1:201,359,632, T>C on the plus strand (A>G on the coding strand, the complement: TNNT2 is on the minus strand). VCF-style: chr1-201359632-T-C. GRCh37 (hg19) VCF-style: chr1-201328760-T-C.
Other names: c.833A>G, p.Asn278Ser (NM_000364.4); c.812A>G, p.Asn271Ser (NM_001001430.3, NM_001276347.2); c.803A>G, p.Asn268Ser (NM_001001431.3); c.794A>G, p.Asn265Ser (NM_001001432.3); c.713A>G, p.Asn238Ser (NM_001276346.2); c.812A>G (NM_001001430.1); short protein forms N265S, N278S, N238S, N271S, N281S, N268S.
Identifiers: ClinVar variation 1406501 (VCV001406501.9), dbSNP rs863225119, ClinGen allele CA344202356.
Genomic context (GRCh38, chr1:201,359,632, plus strand): 5'-GGAAGGAGGGGGCAGGGGGAGGGCTAGGCGAGAATGACCTCAGACACTTACACTTTCTGG[T>C]TATCGTTGATCCTGTTTCGGAGAACATTGATCTGCAAGAAAAGTGGGAAGGACAAAGAGC-3'
Protein context (NP_001263274.1, residues 271-291): INVLRNRIND[Asn281Ser]QKVSKTRGKA